The following is an entry in ClinVar:

NM_005530.3(IDH3A):c.665G>C (p.Cys222Ser)

Gene: IDH3A (isocitrate dehydrogenase (NAD(+)) 3 catalytic subunit alpha; plus strand). Cytogenetic location: 15q25.1.
Variant type: single nucleotide variant.
Coding change: c.665G>C on transcript NM_005530.3 (MANE Select); coding-DNA position 665, G replaced by C.
Protein change: p.Cys222Ser; replaces cysteine 222 with serine.
Molecular consequence: missense variant.
Genome position (GRCh38, 1-based): chr15:78,163,560, G>C. VCF-style: chr15-78163560-G-C. GRCh37 (hg19) VCF-style: chr15-78455902-G-C.
Other names: short protein forms C222S.
Identifiers: ClinVar variation 1493284 (VCV001493284.8), dbSNP rs2141299697, ClinGen allele CA393545117.

ClinVar aggregate classification (germline): Uncertain significance (1 of 4 stars; one submission).

Submission:

Labcorp Genetics (formerly Invitae), Labcorp
Classification: Uncertain significance. Last evaluated: 2022-09-27. Review status: criteria provided, single submitter. Criteria: Invitae Variant Classification Sherloc (09022015). Collection method: clinical testing. Allele origin: germline.
Comment: In summary, the available evidence is currently insufficient to determine the role of this variant in disease. Therefore, it has been classified as a Variant of Uncertain Significance. Advanced modeling of protein sequence and biophysical properties (such as structural, functional, and spatial information, amino acid conservation, physicochemical variation, residue mobility, and thermodynamic stability) performed at Invitae indicates that this missense variant is not expected to disrupt IDH3A protein function. ClinVar contains an entry for this variant (Variation ID: 1493284). This variant has not been reported in the literature in individuals affected with IDH3A-related conditions. This variant is not present in population databases (gnomAD no frequency). This sequence change replaces cysteine, which is neutral and slightly polar, with serine, which is neutral and polar, at codon 222 of the IDH3A protein (p.Cys222Ser).